The following is an entry in ClinVar:

ClinVar aggregate classification (germline): Conflicting classifications of pathogenicity. Review status: criteria provided, conflicting classifications (1 of 4 stars). 2 submissions from 2 submitters: Uncertain significance (1); Likely benign (1). Last evaluated 2025-06-11.

Allele frequency attached by ClinVar (database versions not stated): TOPMed 0.00012; gnomAD 0.00019 and 0.00021; gnomAD exomes 0.00023 and 0.00029; ExAC 0.00028; ESP Exome Variant Server 0.00038.
gnomAD v4.1: 353 of 1,612,084 alleles (0.022%); highest among the groups gnomAD compares: Non-Finnish European, 0.02%; 1 homozygote.

Submissions (2):

Labcorp Genetics (formerly Invitae), Labcorp
Classification: Uncertain significance. Last evaluated: 2025-06-11. Review status: criteria provided, single submitter. Criteria: Invitae Variant Classification Sherloc (09022015). Collection method: clinical testing. Allele origin: germline.
Comment: This sequence change replaces arginine, which is basic and polar, with glutamine, which is neutral and polar, at codon 949 of the DGKZ protein (p.Arg949Gln). This variant is present in population databases (rs78818764, gnomAD 0.1%), and has an allele count higher than expected for a pathogenic variant. This variant has not been reported in the literature in individuals affected with DGKZ-related conditions. ClinVar contains an entry for this variant (Variation ID: 1366283). An algorithm developed to predict the effect of missense changes on protein structure and function outputs the following: PolyPhen-2: "Benign". The glutamine amino acid residue is found in multiple mammalian species, which suggests that this missense change does not adversely affect protein function. In summary, the available evidence is currently insufficient to determine the role of this variant in disease. Therefore, it has been classified as a Variant of Uncertain Significance.

CeGaT Center for Human Genetics Tuebingen
Classification: Likely benign. Last evaluated: 2022-06-01. Review status: criteria provided, single submitter. Criteria: CeGaT Center For Human Genetics Tuebingen Variant Classification Criteria Version 2. Collection method: clinical testing. Allele origin: germline. Affected: yes. Observed: 1 variant allele.
Comment: DGKZ: BP4

NM_001199267.2(DGKZ):c.2279G>A (p.Arg760Gln)

Gene: DGKZ (diacylglycerol kinase zeta; plus strand). Cytogenetic location: 11p11.2.
Variant type: single nucleotide variant.
Coding change: c.2279G>A on transcript NM_001199267.2 (MANE Select); coding-DNA position 2279, G replaced by A.
Protein change: p.Arg760Gln; replaces arginine 760 with glutamine.
Molecular consequence: missense variant.
Genome position (GRCh38, 1-based): chr11:46,377,152, G>A. VCF-style: chr11-46377152-G-A. GRCh37 (hg19) VCF-style: chr11-46398702-G-A.
Other names: c.2846G>A, p.Arg949Gln (NM_001105540.2); c.2282G>A, p.Arg761Gln (NM_001199266.2, NM_003646.4); c.2213G>A, p.Arg738Gln (NM_001199268.2); c.2330G>A, p.Arg777Gln (NM_201532.3); c.2294G>A, p.Arg765Gln (NM_201533.3); short protein forms R738Q, R760Q, R777Q, R949Q, R761Q, R765Q.
Identifiers: ClinVar variation 1366283 (VCV001366283.29), dbSNP rs78818764, ClinGen allele CA5963162.